The following is an entry in ClinVar:

ClinVar aggregate classification (germline): Uncertain significance (1 of 4 stars; one submission).

Conditions:
TBX3-related disorder. Also called: TBX3-related condition.

gnomAD v4.1: 11 of 1,571,700 alleles (0.0007%); highest among the groups gnomAD compares: Non-Finnish European, 0.00095%; no homozygotes.

Submission:

PreventionGenetics, part of Exact Sciences
Classification: Uncertain significance for TBX3-related condition. Last evaluated: 2026-07-29. Review status: criteria provided, single submitter. Criteria: ACMG Guidelines, 2015. Collection method: clinical testing. Allele origin: germline.
Comment: The TBX3 c.1797C>G variant is predicted to result in the amino acid substitution p.Ser599Arg. To our knowledge, this variant has not been reported in the literature. This variant is reported in 0.0015% of alleles in individuals of European (Non-Finnish) descent in gnomAD. At this time, the clinical significance of this variant is uncertain due to the absence of conclusive functional and genetic evidence.

NM_005996.4(TBX3):c.1737C>G (p.Ser579Arg)

Gene: TBX3 (T-box transcription factor 3; minus strand). Cytogenetic location: 12q24.21.
Variant type: single nucleotide variant.
Coding change: c.1737C>G on transcript NM_005996.4 (MANE Select); coding-DNA position 1737, C replaced by G.
Protein change: p.Ser579Arg; replaces serine 579 with arginine.
Molecular consequence: missense variant.
Genome position (GRCh38, 1-based): chr12:114,672,276, G>C on the plus strand (C>G on the coding strand, the complement: TBX3 is on the minus strand). VCF-style: chr12-114672276-G-C. GRCh37 (hg19) VCF-style: chr12-115110081-G-C.
Other names: c.1797C>G, p.Ser599Arg (NM_016569.4); short protein forms S579R, S599R.
Identifiers: ClinVar variation 4977567 (VCV004977567.1).